The following is an entry in ClinVar:

ClinVar aggregate classification (germline): Uncertain significance (1 of 4 stars; one submission).

Conditions:
Cowden syndrome 6 (CWS6). Identifiers: Orphanet 201, MedGen C3554519, MONDO:0014048, OMIM 615109.

gnomAD v4.1: 14 of 1,612,358 alleles (0.00087%); highest among the groups gnomAD compares: East Asian, 0.0022%; no homozygotes.

Submission:

Labcorp Genetics (formerly Invitae), Labcorp
Classification: Uncertain significance for Cowden syndrome 6. Last evaluated: 2024-08-05. Review status: criteria provided, single submitter. Criteria: Invitae Variant Classification Sherloc (09022015). Collection method: clinical testing. Allele origin: germline.
Comment: This sequence change replaces arginine, which is basic and polar, with cysteine, which is neutral and slightly polar, at codon 465 of the AKT1 protein (p.Arg465Cys). The frequency data for this variant in the population databases is considered unreliable, as metrics indicate poor data quality at this position in the gnomAD database. This variant has not been reported in the literature in individuals affected with AKT1-related conditions. ClinVar contains an entry for this variant (Variation ID: 1018655). An algorithm developed to predict the effect of missense changes on protein structure and function (PolyPhen-2) suggests that this variant is likely to be disruptive. In summary, the available evidence is currently insufficient to determine the role of this variant in disease. Therefore, it has been classified as a Variant of Uncertain Significance.

NM_001382430.1(AKT1):c.1393C>T (p.Arg465Cys)

Gene: AKT1 (AKT serine/threonine kinase 1; minus strand). Cytogenetic location: 14q32.33.
Variant type: single nucleotide variant.
Coding change: c.1393C>T on transcript NM_001382430.1 (MANE Select); coding-DNA position 1393, C replaced by T.
Protein change: p.Arg465Cys; replaces arginine 465 with cysteine.
Molecular consequence: missense variant.
Genome position (GRCh38, 1-based): chr14:104,770,391, G>A on the plus strand (C>T on the coding strand, the complement: AKT1 is on the minus strand). VCF-style: chr14-104770391-G-A. GRCh37 (hg19) VCF-style: chr14-105236728-G-A.
Other names: c.1393C>T, p.Arg465Cys (NM_001014431.2, NM_001014432.2, NM_001382431.1 and 3 more transcripts); short protein forms R465C.
Identifiers: ClinVar variation 1018655 (VCV001018655.8), dbSNP rs770370100, ClinGen allele CA7374439.
Genomic context (GRCh38, chr14:104,770,391, plus strand): 5'-CACCGCCGCCTCAGGCCGTGCCGCTGGCCGAGTAGGAGAACTGGGGGAAGTGGGGCCTGC[G>A]CTCGCTGTCCACACACTCCATGCTGTCATCTGTGGGTGTAGACAGCTCAGACCCCGGTGC-3'
Protein context (NP_001369359.1, residues 455-475): DDSMECVDSE[Arg465Cys]RPHFPQFSYS